The following is an entry in ClinVar:

NM_201384.3(PLEC):c.7836_7838del (p.Glu2614del)

Gene: PLEC (plectin; minus strand). Cytogenetic location: 8q24.3.
Variant type: Deletion.
Coding change: c.7836_7838del on transcript NM_201384.3 (MANE Select); coding-DNA positions 7836 to 7838, 3 bases deleted (AGA; older notation c.7836_7838delAGA).
Protein change: p.Glu2614del; deletes glutamic acid 2614.
Molecular consequence: inframe deletion.
Genome position (GRCh38, 1-based): chr8:143,921,983-143,921,985, TCT deleted on the plus strand (AGA on the coding strand, the reverse complement: PLEC is on the minus strand). VCF-style (leftmost placement, unchanged base first): chr8-143921982-CTCT-C. GRCh37 (hg19) VCF-style: chr8-144996150-CTCT-C.
Other names: c.7917_7919del, p.Glu2641del (NM_000445.5); c.7794_7796del, p.Glu2600del (NM_201378.4); c.7770_7772del, p.Glu2592del (NM_201379.3); c.8247_8249del, p.Glu2751del (NM_201380.4); c.7740_7742del, p.Glu2582del (NM_201381.3); c.7836_7838del, p.Glu2614del (NM_201382.4); c.7848_7850del, p.Glu2618del (NM_201383.3); short protein forms E2751del, E2582del, E2592del, E2614del, E2641del, E2600del, E2618del.
Identifiers: ClinVar variation 646078 (VCV000646078.6), dbSNP rs781936703, ClinGen allele CA4925502.
Genomic context (GRCh38, chr8:143,921,982, plus strand): 5'-AAGTGCATCCCGGCCATTGGGCAGGGTCTTTGTGGCAGCCACCTGCGAGGCAGTGACCTC[CTCT>C]GAGTGCGCCAGCGCGGCCCGGTGCTGCTCCTCCAGGAGCTGCAGCTGCTCACGCAGCCTC-3'

ClinVar aggregate classification (germline): Uncertain significance (1 of 4 stars; one submission).

Conditions:
Epidermolysis bullosa simplex, Ogna type (EBS5A). Also called: Pidermolysis bullosa simplex 5A, Ogna type; EPIDERMOLYSIS BULLOSA SIMPLEX 5A, OGNA TYPE. Identifiers: Orphanet 79401, MedGen C0432317, MONDO:0007555, OMIM 131950.
Autosomal recessive limb-girdle muscular dystrophy type 2Q (LGMDR17). Also called: MUSCULAR DYSTROPHY, LIMB-GIRDLE, AUTOSOMAL RECESSIVE 17. Identifiers: Orphanet 254361, MedGen C3150989, MONDO:0013390, OMIM 613723.
Epidermolysis bullosa simplex with nail dystrophy (EBS5D). Identifiers: MedGen C4225309, MONDO:0014661, OMIM 616487.
Epidermolysis bullosa simplex 5B, with muscular dystrophy (EBS5B). Also called: Epidermolysis bullosa simplex with muscular dystrophy; EPIDERMOLYSIS BULLOSA SIMPLEX AND LIMB-GIRDLE MUSCULAR DYSTROPHY. Identifiers: Orphanet 257, MedGen C2931072, MONDO:0009181, OMIM 226670.
Epidermolysis bullosa simplex 5C, with pyloric atresia (EBS5C). Also called: PLEC-Related Epidermolysis Bullosa with Pyloric Atresia; Epidermolysis bullosa simplex with pyloric atresia; PLEC1-Related Epidermolysis Bullosa with Pyloric Atresia. Identifiers: Orphanet 158684, MedGen C2677349, MONDO:0012807, OMIM 612138.

Allele frequency attached by ClinVar (database versions not stated): gnomAD exomes below 0.00001 and 0.00001; ExAC 0.00001; TOPMed 0.00002; gnomAD 0.00003.

Submission:

Labcorp Genetics (formerly Invitae), Labcorp
Classification: Uncertain significance for Autosomal recessive limb-girdle muscular dystrophy type 2Q; Epidermolysis bullosa simplex, Ogna type; Epidermolysis bullosa simplex with nail dystrophy; Epidermolysis bullosa simplex 5C, with pyloric atresia; Epidermolysis bullosa simplex 5B, with muscular dystrophy. Last evaluated: 2022-06-20. Review status: criteria provided, single submitter. Criteria: Invitae Variant Classification Sherloc (09022015). Collection method: clinical testing. Allele origin: germline.
Comment: In summary, the available evidence is currently insufficient to determine the role of this variant in disease. Therefore, it has been classified as a Variant of Uncertain Significance. Experimental studies and prediction algorithms are not available or were not evaluated, and the functional significance of this variant is currently unknown. ClinVar contains an entry for this variant (Variation ID: 646078). This variant has not been reported in the literature in individuals affected with PLEC-related conditions. This variant is present in population databases (rs781936703, gnomAD 0.01%). This variant, c.7917_7919del, results in the deletion of 1 amino acid(s) of the PLEC protein (p.Glu2641del), but otherwise preserves the integrity of the reading frame.